The following is an entry in ClinVar:

ClinVar aggregate classification (germline): Likely pathogenic (1 of 4 stars; one submission).

Conditions:
Amyloidosis, hereditary systemic 1 (AMYLD1). Also called: Hereditary oculoleptomeningeal amyloid angiopathy; Familial Transthyretin Amyloidosis; Familial amyloid polyneuropathy; Transthyretin Amyloidosis; Hereditary Transthyretin Amyloidosis; AMYLOID CARDIOMYOPATHY. Identifiers: Orphanet 85447, Orphanet 85451, MedGen C2751492, MONDO:0971004, OMIM 105210.

gnomAD v4.1: 1 of 1,614,192 alleles (0.000062%); highest among the groups gnomAD compares: Non-Finnish European, 0.000085%; no homozygotes.

Submission:

Labcorp Genetics (formerly Invitae), Labcorp
Classification: Likely pathogenic for Amyloidosis, hereditary systemic 1. Last evaluated: 2025-09-15. Review status: criteria provided, single submitter. Criteria: Invitae Variant Classification Sherloc (09022015). Collection method: clinical testing. Allele origin: germline.
Comment: This sequence change replaces isoleucine, which is neutral and non-polar, with threonine, which is neutral and polar, at codon 127 of the TTR protein (p.Ile127Thr). This variant is present in population databases (rs768497450, gnomAD 0.0009%). This missense change has been observed in individual(s) with dilated cardiomyopathy (PMID: 30847666). Invitae Evidence Modeling of protein sequence and biophysical properties (such as structural, functional, and spatial information, amino acid conservation, physicochemical variation, residue mobility, and thermodynamic stability) indicates that this missense variant is expected to disrupt TTR protein function with a positive predictive value of 95%. This variant disrupts the p.Ile127 amino acid residue in TTR. Other variant(s) that disrupt this residue have been determined to be pathogenic (PMID: 7914929, 8081397, 9748014, 20209591, 24101130, 26537620, 27025994, 27066555). This suggests that this residue is clinically significant, and that variants that disrupt this residue are likely to be disease-causing. In summary, the currently available evidence indicates that the variant is pathogenic, but additional data are needed to prove that conclusively. Therefore, this variant has been classified as Likely Pathogenic.

Literature cited by the submitters: PubMed 30847666; PubMed 7914929; PubMed 8081397; PubMed 9748014; PubMed 20209591; PubMed 24101130; PubMed 26537620; PubMed 27025994; PubMed 27066555.

NM_000371.4(TTR):c.380T>C (p.Ile127Thr)

Gene: TTR (transthyretin; plus strand). Cytogenetic location: 18q12.1.
Variant type: single nucleotide variant.
Coding change: c.380T>C on transcript NM_000371.4 (MANE Select); coding-DNA position 380, T replaced by C.
Protein change: p.Ile127Thr; replaces isoleucine 127 with threonine.
Molecular consequence: missense variant.
Genome position (GRCh38, 1-based): chr18:31,598,611, T>C. VCF-style: chr18-31598611-T-C. GRCh37 (hg19) VCF-style: chr18-29178574-T-C.
Other names: short protein forms I127T.
Identifiers: ClinVar variation 4751063 (VCV004751063.1).